The following is an entry in ClinVar:

NM_000038.6(APC):c.4054_4063del (p.Val1352fs)

Gene: APC (APC regulator of Wnt signaling pathway; plus strand). Cytogenetic location: 5q22.2.
Variant type: Deletion.
Coding change: c.4054_4063del on transcript NM_000038.6 (MANE Select); coding-DNA positions 4054 to 4063, 10 bases deleted (GTTGAATTTT; older notation c.4054_4063delGTTGAATTTT).
Protein change: p.Val1352fs; shifts the reading frame from valine 1352.
Molecular consequence: frameshift variant.
Genome position (GRCh38, 1-based): chr5:112,839,648-112,839,657, GTTGAATTTT deleted; deleting any 10 consecutive bases within chr5:112,839,647-112,839,657 gives the same sequence; the c. name uses the placement nearest the transcript's 3' end. VCF-style (leftmost placement, unchanged base first): chr5-112839646-CTGTTGAATTT-C. GRCh37 (hg19) VCF-style: chr5-112175343-CTGTTGAATTT-C.
Other names: c.4054_4063del, p.Val1352fs (NM_001127510.3, NM_001354895.2); c.4000_4009del, p.Val1334fs (NM_001127511.3); c.4108_4117del, p.Val1370fs (NM_001354896.2); c.4084_4093del, p.Val1362fs (NM_001354897.2); c.3979_3988del, p.Val1327fs (NM_001354898.2); c.3970_3979del, p.Val1324fs (NM_001354899.2); c.3931_3940del, p.Val1311fs (NM_001354900.2); c.3877_3886del, p.Val1293fs (NM_001354901.2); and 5 more; short protein forms V1069fs, V1192fs, V1261fs, V1327fs, V1293fs, V1334fs, V1362fs, V1226fs.
Identifiers: ClinVar variation 633042 (VCV000633042.3), dbSNP rs1561589459, ClinGen allele CA913189675.
Genomic context (GRCh38, chr5:112,839,646, plus strand): 5'-GAACCAAATCCAGCAGACTGCAGGGTTCTAGTTTATCTTCAGAATCAGCCAGGCACAAAG[CTGTTGAATTT>C]TCTTCAGGAGCGAAATCTCCCTCCAAAAGTGGTGCTCAGACACCCAAAAGTCCACCTGAA-3'

ClinVar aggregate classification (germline): Pathogenic/Likely pathogenic. Review status: criteria provided, multiple submitters, no conflicts (2 of 4 stars). 3 submissions from 3 submitters: Pathogenic (2); Likely pathogenic (1). Last evaluated 2026-05-08.

Conditions:
Familial adenomatous polyposis 1 (FAP1). Also called: FAMILIAL ADENOMATOUS POLYPOSIS 1, ATTENUATED; POLYPOSIS, ADENOMATOUS INTESTINAL. Identifiers: MedGen C2713442, MONDO:0021056, OMIM 175100. Disease mechanism: loss of function.
Familial multiple polyposis syndrome (FAP). Also called: Familial adenomatous polyposis; Familial intestinal polyposis; Familial Adenomatous Polyposis (FAP); Familial polyposis; Classic familial adenomatous polyposis. Identifiers: Orphanet 733, MedGen C0032580, MONDO:0021055. Disease mechanism: loss of function.
Hereditary cancer-predisposing syndrome. Also called: Tumor predisposition; Hereditary Cancer Syndrome; Neoplastic Syndromes, Hereditary; Hereditary neoplastic syndrome. Identifiers: Orphanet 140162, MedGen C0027672, MeSH D009386, MONDO:0015356.

Submissions (3):

Ambry Genetics
Classification: Pathogenic for Hereditary cancer-predisposing syndrome. Last evaluated: 2026-05-08. Review status: criteria provided, single submitter. Criteria: Ambry Variant Classification Scheme 2023. Collection method: clinical testing. Allele origin: germline.
Comment: The c.4054_4063del10 pathogenic mutation, located in coding exon 15 of the APC gene, results from a deletion of 10 nucleotides at nucleotide positions 4054 to 4063, causing a translational frameshift with a predicted alternate stop codon (p.V1352Lfs*60). This variant occurs at the 3' terminus of the gene, is not expected to trigger nonsense-mediated mRNA decay, and impacts the last 52.5% of the protein. However, premature stop codons are typically deleterious in nature and a significant portion of the protein is affected (Ambry internal data). This variant was reported in individual(s) with features consistent with APC-related familial adenomatous polyposis (Ambry internal data). This variant is considered to be rare based on population cohorts in the Genome Aggregation Database (gnomAD). Based on the supporting evidence, this variant is interpreted as a disease-causing mutation.

Labcorp Genetics (formerly Invitae), Labcorp
Classification: Pathogenic for Familial adenomatous polyposis 1. Last evaluated: 2026-01-06. Review status: criteria provided, single submitter. Criteria: Invitae Variant Classification Sherloc (09022015). Collection method: clinical testing. Allele origin: germline.
Comment: This sequence change creates a premature translational stop signal (p.Val1352Leufs*60) in the APC gene. While this is not anticipated to result in nonsense mediated decay, it is expected to disrupt the last 1492 amino acid(s) of the APC protein. This variant is not present in population databases (gnomAD no frequency). This premature translational stop signal has been observed in individual(s) with APC-related condition (PMID: 23159591). ClinVar contains an entry for this variant (Variation ID: 633042). This variant is expected to disrupt the EB1 and HDLG binding sites, which mediate interactions with the cytoskeleton (PMID: 15311282, 17293347). While functional studies have not been performed to directly test the effect on APC protein function, this suggests that disruption of the C-terminal portion of the protein is functionally important. A different truncation (p.Tyr2645Lysfs*14) that lies downstream of this variant has been determined to be pathogenic (PMID: 9824584, 1316610, 27081525, 8381579, 22135120, internal data). This suggests that deletion of this region of the APC protein is causative of disease. For these reasons, this variant has been classified as Pathogenic.

Women's Health and Genetics/Laboratory Corporation of America, LabCorp
Classification: Likely pathogenic for Familial adenomatous polyposis. Last evaluated: 2018-12-04. Review status: criteria provided, single submitter. Criteria: LabCorp Variant Classification Summary - May 2015. Collection method: clinical testing. Allele origin: germline.
Comment: Variant summary: APC c.4054_4063del10 (p.Val1352LeufsX60) results in a premature termination codon, predicted to cause a truncation of the encoded protein or absence of the protein due to nonsense mediated decay, which are commonly known mechanisms for disease. Truncations downstream of this position have been classified as pathogenic by our laboratory (eg. c.4393_4394dupAG, p.Ser1465fsX9 and c.5582_5585delCTTT, p.Ser1861fsX1). The variant was absent in 276526 control chromosomes (gnomAD). The variant, c.4054_4063del10, has been reported in the literature in one individual affected with Familial Adenomatous Polyposis (Kerr_2013). These data do not allow any conclusion about variant significance. To our knowledge, no experimental evidence demonstrating an impact on protein function has been reported. No clinical diagnostic laboratories have submitted clinical-significance assessments for this variant to ClinVar after 2014. Based on the evidence outlined above, the variant was classified as likely pathogenic.

Literature cited by the submitters: PubMed 23159591 (cited by Labcorp Genetics (formerly Invitae), Labcorp); PubMed 15311282 (cited by Labcorp Genetics (formerly Invitae), Labcorp); PubMed 17293347 (cited by Labcorp Genetics (formerly Invitae), Labcorp); PubMed 9824584 (cited by Labcorp Genetics (formerly Invitae), Labcorp); PubMed 1316610 (cited by Labcorp Genetics (formerly Invitae), Labcorp); PubMed 27081525 (cited by Labcorp Genetics (formerly Invitae), Labcorp); PubMed 8381579 (cited by Labcorp Genetics (formerly Invitae), Labcorp); PubMed 22135120 (cited by Labcorp Genetics (formerly Invitae), Labcorp).